The following is an entry in ClinVar:

ClinVar aggregate classification (germline): Uncertain significance (1 of 4 stars; one submission).

Conditions:
Tuberous sclerosis 2 (TSC2). Identifiers: Orphanet 805, MedGen C1860707, MONDO:0013199, OMIM 613254.

Submission:

Labcorp Genetics (formerly Invitae), Labcorp
Classification: Uncertain significance for Tuberous sclerosis 2. Last evaluated: 2018-03-20. Review status: criteria provided, single submitter. Criteria: Invitae Variant Classification Sherloc (09022015). Collection method: clinical testing. Allele origin: germline.
Comment: Algorithms developed to predict the effect of sequence changes on RNA splicing suggest that this variant may create or strengthen a splice site, but this prediction has not been confirmed by published transcriptional studies. In summary, the available evidence is currently insufficient to determine the role of this variant in disease. Therefore, it has been classified as a Variant of Uncertain Significance. Experimental studies and prediction algorithms are not available for this variant, and the functional significance of the duplicated amino acids is currently unknown. This variant, c.2016_2030dup, results in the insertion of 5 amino acids to the TSC2 protein (p.Pro674_Ala678dup), but otherwise preserves the integrity of the reading frame. While this variant is not present in population databases, the frequency information is unreliable, as metrics indicate poor data quality at this position in the ExAC database. This variant has not been reported in the literature in individuals with TSC2-related disease.

NM_000548.5(TSC2):c.2016_2030dup (p.Pro674_Ala678dup)

Gene: TSC2 (TSC complex subunit 2; plus strand). Cytogenetic location: 16p13.3.
Variant type: Duplication.
Coding change: c.2016_2030dup on transcript NM_000548.5 (MANE Select); coding-DNA positions 2016 to 2030, 15 bases duplicated (GGCGCCTGCAGGCCC).
Protein change: p.Pro674_Ala678dup.
Molecular consequence: inframe insertion.
Genome position (GRCh38, 1-based): chr16:2,071,853-2,071,867, GGCGCCTGCAGGCCC duplicated; duplicating any 15 consecutive bases within chr16:2,071,848-2,071,867 gives the same sequence; the c. name uses the placement nearest the transcript's 3' end. VCF-style (leftmost placement, unchanged base first): chr16-2071847-T-TGGCCCGGCGCCTGCA. GRCh37 (hg19) VCF-style: chr16-2121848-T-TGGCCCGGCGCCTGCA.
Other names: c.1869_1883dup, p.Pro625_Ala629dup (NM_001318829.2); c.1416_1430dup, p.Pro474_Ala478dup (NM_001318831.2); c.2049_2063dup, p.Pro685_Ala689dup (NM_001318832.2); c.2016_2030dup, p.Pro674_Ala678dup (NM_001363528.2, NM_001370404.1, NM_001370405.1 and 3 more transcripts); c.1905_1919dup, p.Pro637_Ala641dup (NM_001318827.2).
Identifiers: ClinVar variation 571950 (VCV000571950.8), dbSNP rs1430327271, ClinGen allele CA620704832.